The following is an entry in ClinVar:

NM_032638.5(GATA2):c.16G>A (p.Glu6Lys)

Gene: GATA2 (GATA binding protein 2; minus strand). Cytogenetic location: 3q21.3.
Variant type: single nucleotide variant.
Coding change: c.16G>A on transcript NM_032638.5 (MANE Select); coding-DNA position 16, G replaced by A.
Protein change: p.Glu6Lys; replaces glutamic acid 6 with lysine.
Molecular consequence: missense variant.
Genome position (GRCh38, 1-based): chr3:128,487,016, C>T on the plus strand (G>A on the coding strand, the complement: GATA2 is on the minus strand). VCF-style: chr3-128487016-C-T. GRCh37 (hg19) VCF-style: chr3-128205859-C-T.
Other names: c.16G>A, p.Glu6Lys (NM_001145661.2, NM_001145662.1); short protein forms E6K.
Identifiers: ClinVar variation 472449 (VCV000472449.8), dbSNP rs760132552, ClinGen allele CA354409314.

ClinVar aggregate classification (germline): Uncertain significance (1 of 4 stars; one submission).

Conditions:
Monocytopenia with susceptibility to infections. Also called: MONOCYTOPENIA AND MYCOBACTERIAL INFECTION SYNDROME; MONOCYTOPENIA WITH SUSCEPTIBILITY TO MYCOBACTERIAL, FUNGAL, AND PAPILLOMAVIRUS INFECTIONS AND MYELODYSPLASIA; COMBINED IMMUNODEFICIENCY WITH SUSCEPTIBILITY TO MYCOBACTERIAL, VIRAL, AND FUNGAL INFECTIONS; Dendritic cell, monocyte, B lymphocyte, and natural killer lymphocyte deficiency; IMMUNODEFICIENCY 21; GATA2 DEFICIENCY. Identifiers: Orphanet 228423, MedGen C3280030, MONDO:0013607, OMIM 614172.
Deafness-lymphedema-leukemia syndrome. Also called: Lymphedema, primary, with myelodysplasia; Emberger syndrome. Identifiers: Orphanet 3226, MedGen C3279664, MONDO:0013540, OMIM 614038.

Submission:

Labcorp Genetics (formerly Invitae), Labcorp
Classification: Uncertain significance for Monocytopenia with susceptibility to infections; Deafness-lymphedema-leukemia syndrome. Last evaluated: 2017-02-07. Review status: criteria provided, single submitter. Criteria: Invitae Variant Classification Sherloc (09022015). Collection method: clinical testing. Allele origin: germline.
Comment: In summary, this variant is a novel missense change that is not predicted to affect protein function. There is no indication that it causes disease, but the available evidence is currently insufficient to prove that conclusively. Therefore, it has been classified as a Variant of Uncertain Significance. Algorithms developed to predict the effect of missense changes on protein structure and function (SIFT, PolyPhen-2, Align-GVGD) all suggest that this variant is likely to be tolerated, but these predictions have not been confirmed by published functional studies. This variant is not present in population databases (ExAC no frequency) and has not been reported in the literature in individuals with a GATA2-related disease. This sequence change replaces glutamic acid with lysine at codon 6 of the GATA2 protein (p.Glu6Lys). The glutamic acid residue is weakly conserved and there is a small physicochemical difference between glutamic acid and lysine.